The following is an entry in ClinVar:

ClinVar aggregate classification (germline): Conflicting classifications of pathogenicity. Review status: criteria provided, conflicting classifications (1 of 4 stars). 7 submissions from 7 submitters: Pathogenic (1); Uncertain significance (5); Likely benign (1). Last evaluated 2026-01-13.

Conditions:
CFTR-related disorder (CFTR-RD). Also called: CFTR-related disorders; CFTR-related condition. Identifiers: MedGen C5924204, MONDO:7770004.
Cystic fibrosis (CF). Also called: MUCOVISCIDOSIS. Identifiers: Orphanet 586, MedGen C0010674, MONDO:0009061, OMIM 219700. Disease mechanism: loss of function.

Submissions (7):

Labcorp Genetics (formerly Invitae), Labcorp
Classification: Likely benign for Cystic fibrosis. Last evaluated: 2026-01-13. Review status: criteria provided, single submitter. Criteria: Invitae Variant Classification Sherloc (09022015). Collection method: clinical testing. Allele origin: germline.

GeneDx
Classification: Uncertain significance. Last evaluated: 2025-04-22. Review status: criteria provided, single submitter. Criteria: GeneDx Variant Classification Process June 2021. Collection method: clinical testing. Allele origin: germline. Affected: yes.
Comment: In silico analysis is inconclusive as to whether the variant alters gene splicing. In the absence of RNA/functional studies, the actual effect of this sequence change is unknown; Has not been previously published as pathogenic or benign to our knowledge

Mayo Clinic Laboratories, Mayo Clinic
Classification: Uncertain significance. Last evaluated: 2024-12-16. Review status: criteria provided, single submitter. Criteria: ACMG Guidelines, 2015. Collection method: clinical testing. Allele origin: germline. Observed: 2 variant alleles.
Comment: PM2_supporting

Johns Hopkins Genomics, Johns Hopkins University
Classification: Uncertain significance for Cystic fibrosis. Last evaluated: 2023-06-06. Review status: criteria provided, single submitter. Criteria: ACMG Guidelines, 2015. Collection method: clinical testing. Allele origin: germline.
Comment: This CFTR intronic variant (rs878854021) is rare (<0.1%) in a large population dataset (gnomADv3.1.2: 6/152142 total alleles; 0.004%; no homozygotes) and has been reported in ClinVar (Variation ID:237857). It has not been reported in the literature in individuals with cystic fibrosis, to our knowledge. Bioinformatic analysis predicts that this intronic variant may weaken the native acceptor splice site although this has not been confirmed experimentally to our knowledge. We consider the clinical significance of CFTR c.4243-7del to be uncertain at this time.

ARUP Laboratories, Molecular Genetics and Genomics, ARUP Laboratories
Classification: Uncertain significance. Last evaluated: 2023-02-07. Review status: criteria provided, single submitter. Criteria: ARUP Molecular Germline Variant Investigation Process 2024. Collection method: clinical testing. Allele origin: germline.
Comment: The CFTR c.4243-7del variant (rs878854021), to our knowledge, is not reported in the medical literature but is reported in the CFTR- France database in 2 individuals with CBAVD when found in trans with another pathogenic variant (see link). This variant is reported in ClinVar (Variation ID: 237857) and is found in the non-Finnish European population with an allele frequency of 0.005% (5/112352 alleles) in the Genome Aggregation Database. This is an intronic deletion, and computational analyses (Alamut Visual Plus v.1.5.1) predict that this variant may impact splicing by weakening the nearby canonical acceptor splice site. Due to limited information, the clinical significance of this variant is uncertain at this time. References: Link to CFTR France

CFTR-France
Classification: Pathogenic for CFTR-related disorders. Last evaluated: 2018-03-26. Review status: criteria provided, single submitter. Criteria: Claustres M et al. (Hum Mutat 2017). Collection method: curation. Allele origin: germline. Affected: yes.

Quest Diagnostics Nichols Institute San Juan Capistrano
Classification: Uncertain significance. Last evaluated: 2016-12-05. Review status: criteria provided, single submitter. Criteria: Quest Diagnostics criteria. Collection method: clinical testing. Allele origin: germline.

NM_000492.4(CFTR):c.4243-7del

Genes: CFTR (CF transmembrane conductance regulator; plus strand), LOC111674477 (CFTR intron 23 enhancer; plus strand). Cytogenetic location: 7q31.2.
Variant type: Deletion.
Coding change: c.4243-7del on transcript NM_000492.4 (MANE Select); 7 bases into the intron before coding-DNA position 4243, one base deleted (T; older notation c.4243-7delT).
Molecular consequence: intron variant.
Genome position (GRCh38, 1-based): chr7:117,666,901, T deleted; the last of 3 consecutive T bases (chr7:117,666,899-117,666,901); deleting any one gives the same sequence. VCF-style (leftmost placement, unchanged base first): chr7-117666898-AT-A. GRCh37 (hg19) VCF-style: chr7-117306952-AT-A.
Other names: p.?; c.4243-7delT (NM_000492.3).
Identifiers: ClinVar variation 237857 (VCV000237857.22), dbSNP rs878854021, ClinGen allele CA4451675.